The following is an entry in ClinVar:

NM_006096.4(NDRG1):c.1133C>T (p.Ser378Leu)

Gene: NDRG1 (N-myc downstream regulated 1; minus strand). Cytogenetic location: 8q24.22.
Variant type: single nucleotide variant.
Coding change: c.1133C>T on transcript NM_006096.4 (MANE Select); coding-DNA position 1133, C replaced by T.
Protein change: p.Ser378Leu; replaces serine 378 with leucine.
Molecular consequence: missense variant.
Genome position (GRCh38, 1-based): chr8:133,238,930, G>A on the plus strand (C>T on the coding strand, the complement: NDRG1 is on the minus strand). VCF-style: chr8-133238930-G-A. GRCh37 (hg19) VCF-style: chr8-134251173-G-A.
Other names: c.1133C>T, p.Ser378Leu (NM_001135242.2, NM_001374845.1, NM_001374846.1); c.935C>T, p.Ser312Leu (NM_001258432.2, NM_001374847.1); c.890C>T, p.Ser297Leu (NM_001258433.2); c.1184C>T, p.Ser395Leu (NM_001374844.1); short protein forms S297L, S312L, S378L, S395L.
Identifiers: ClinVar variation 1020426 (VCV001020426.6), dbSNP rs373815729, ClinGen allele CA4886411.
Genomic context (GRCh38, chr8:133,238,930, plus strand): 5'-CAGGCCGCCTAGCAGGAGACCTCCATGGACTTGGGCCCGGCGCTGTTCCCAGCAGCACCC[G>A]AGTTGGGGGTGATGTCCAGGTGGGCCCCCTCGCTGGTGTGCGAGCGGCTGCGGGTGCCCT-3'
Protein context (NP_006087.2, residues 368-388): EGAHLDITPN[Ser378Leu]GAAGNSAGPK

ClinVar aggregate classification (germline): Uncertain significance (1 of 4 stars; one submission).

Conditions:
Charcot-Marie-Tooth disease type 4. Also called: Charcot-Marie-Tooth disease, type IV; Charcot-Marie-Tooth, Type 4. Identifiers: Orphanet 64749, MedGen C4082197, MONDO:0018995.

Allele frequency attached by ClinVar (database versions not stated): gnomAD exomes 0.00001 and 0.00002; ExAC 0.00005; ESP Exome Variant Server 0.00008.
gnomAD v4.1: 9 of 1,566,370 alleles (0.00057%); highest among the groups gnomAD compares: South Asian, 0.0035%; no homozygotes.

Submission:

Labcorp Genetics (formerly Invitae), Labcorp
Classification: Uncertain significance for Charcot-Marie-Tooth disease type 4. Last evaluated: 2021-09-01. Review status: criteria provided, single submitter. Criteria: Invitae Variant Classification Sherloc (09022015). Collection method: clinical testing. Allele origin: germline.
Comment: This sequence change replaces serine with leucine at codon 378 of the NDRG1 protein (p.Ser378Leu). The serine residue is moderately conserved and there is a large physicochemical difference between serine and leucine. This variant is present in population databases (rs373815729, ExAC 0.01%). This variant has not been reported in the literature in individuals affected with NDRG1-related conditions. Algorithms developed to predict the effect of missense changes on protein structure and function (SIFT, PolyPhen-2, Align-GVGD) all suggest that this variant is likely to be tolerated. In summary, the available evidence is currently insufficient to determine the role of this variant in disease. Therefore, it has been classified as a Variant of Uncertain Significance.